The following is an entry in ClinVar:

NM_001384910.1(GUCA1A):c.506C>A (p.Thr169Lys)

Genes: GUCA1A (guanylate cyclase activator 1A; plus strand), GUCA1ANB-GUCA1A (GUCA1ANB-GUCA1A readthrough; plus strand). Cytogenetic location: 6p21.1.
Variant type: single nucleotide variant.
Coding change: c.506C>A on transcript NM_001384910.1 (MANE Select); coding-DNA position 506, C replaced by A.
Protein change: p.Thr169Lys; replaces threonine 169 with lysine.
Molecular consequence: missense variant.
Genome position (GRCh38, 1-based): chr6:42,179,303, C>A. VCF-style: chr6-42179303-C-A. GRCh37 (hg19) VCF-style: chr6-42147041-C-A.
Other names: c.506C>A, p.Thr169Lys (NM_000409.5, NM_001319061.2, NM_001319062.2); short protein forms T169K.
Identifiers: ClinVar variation 1046415 (VCV001046415.10), dbSNP rs1768052616, ClinGen allele CA364110337.

ClinVar aggregate classification (germline): Uncertain significance. Review status: criteria provided, multiple submitters, no conflicts (2 of 4 stars). 2 submissions from 2 submitters: Uncertain significance (2). Last evaluated 2023-06-06.

Conditions:
Inborn genetic diseases. Identifiers: MedGen C0950123, MeSH D030342.

Allele frequency attached by ClinVar (database versions not stated): gnomAD exomes below 0.00001; TOPMed 0.00001.

Submissions (2):

Ambry Genetics
Classification: Uncertain significance for Inborn genetic diseases. Last evaluated: 2023-06-06. Review status: criteria provided, single submitter. Criteria: Ambry Variant Classification Scheme 2023. Collection method: clinical testing. Allele origin: germline.

Labcorp Genetics (formerly Invitae), Labcorp
Classification: Uncertain significance. Last evaluated: 2022-10-03. Review status: criteria provided, single submitter. Criteria: Invitae Variant Classification Sherloc (09022015). Collection method: clinical testing. Allele origin: germline.
Comment: ClinVar contains an entry for this variant (Variation ID: 1046415). This sequence change replaces threonine, which is neutral and polar, with lysine, which is basic and polar, at codon 169 of the GUCA1A protein (p.Thr169Lys). This variant is not present in population databases (gnomAD no frequency). This variant has not been reported in the literature in individuals affected with GUCA1A-related conditions. Algorithms developed to predict the effect of missense changes on protein structure and function are either unavailable or do not agree on the potential impact of this missense change (SIFT: "Not Available"; PolyPhen-2: "Benign"; Align-GVGD: "Not Available"). In summary, the available evidence is currently insufficient to determine the role of this variant in disease. Therefore, it has been classified as a Variant of Uncertain Significance.